The following is an entry in ClinVar:

NM_001127895.2(CHST8):c.508AGC[4] (p.Ser172dup)

Gene: CHST8 (carbohydrate sulfotransferase 8; plus strand). Cytogenetic location: 19q13.11.
Variant type: Microsatellite.
Coding change: c.508AGC[4] on transcript NM_001127895.2 (MANE Select); four copies in a row of the 3-base unit AGC starting at c.508; the reference has three copies in a row; one copy, 3 bases duplicated.
Protein change: p.Ser172dup; duplicates serine 172.
Molecular consequence: inframe insertion.
Genome position (GRCh38, 1-based): chr19:33,772,302-33,772,304, AGC duplicated; duplicating any 3 consecutive bases within chr19:33,772,296-33,772,304 gives the same sequence; the position shown is the placement nearest the transcript's 3' end. VCF-style (leftmost placement, unchanged base first): chr19-33772295-G-GAGC. GRCh37 (hg19) VCF-style: chr19-34263200-G-GAGC.
Other names: c.508AGC[4], p.Ser172dup (NM_001127896.2, NM_022467.3); c.514_516dup (NM_001127896.1).
Identifiers: ClinVar variation 774734 (VCV000774734.6), dbSNP rs758685180, ClinGen allele CA9364750.

ClinVar aggregate classification (germline): Likely benign. Review status: criteria provided, single submitter (1 of 4 stars). 2 submissions from 2 submitters: Likely benign (1). 1 of the submissions does not count toward it. Last evaluated 2019-12-31.

Conditions:
CHST8-related disorder. Also called: CHST8-related condition.

Submissions (2):

Labcorp Genetics (formerly Invitae), Labcorp
Classification: Likely benign. Last evaluated: 2019-12-31. Review status: criteria provided, single submitter. Criteria: Invitae Variant Classification Sherloc (09022015). Collection method: clinical testing. Allele origin: germline.

PreventionGenetics, part of Exact Sciences
Classification: Likely benign for CHST8-related condition. Last evaluated: 2023-12-26. Review status: no assertion criteria provided. Collection method: clinical testing. Allele origin: germline. Not counted in ClinVar's aggregate classification.
Comment: This variant is classified as likely benign based on ACMG/AMP sequence variant interpretation guidelines (Richards et al. 2015 PMID: 25741868, with internal and published modifications).